The following is an entry in ClinVar:

ClinVar aggregate classification (germline): Uncertain significance (1 of 4 stars; one submission).

Conditions:
KATNAL2-related disorder. Also called: KATNAL2-related condition.

Submission:

PreventionGenetics, part of Exact Sciences
Classification: Uncertain significance for KATNAL2-related condition. Last evaluated: 2024-11-13. Review status: criteria provided, single submitter. Criteria: ACMG Guidelines, 2015. Collection method: clinical testing. Allele origin: germline.
Comment: The KATNAL2 c.1051C>T variant is predicted to result in the amino acid substitution p.Pro351Ser. To our knowledge, this variant has not been reported in the literature or in a large population database (gnomAD), indicating this variant is rare. At this time, the clinical significance of this variant is uncertain due to the absence of conclusive functional and genetic evidence.

NM_001387690.1(KATNAL2):c.1267C>T (p.Pro423Ser)

Gene: KATNAL2 (katanin catalytic subunit A1 like 2; plus strand). Cytogenetic location: 18q21.1.
Variant type: single nucleotide variant.
Coding change: c.1267C>T on transcript NM_001387690.1 (MANE Select); coding-DNA position 1267, C replaced by T.
Protein change: p.Pro423Ser; replaces proline 423 with serine.
Molecular consequence: missense variant. On other transcripts: non-coding transcript variant (1).
Genome position (GRCh38, 1-based): chr18:47,099,298, C>T. VCF-style: chr18-47099298-C-T. GRCh37 (hg19) VCF-style: chr18-44625669-C-T.
Other names: c.1345C>T, p.Pro449Ser (NM_001353899.1); c.1342C>T, p.Pro448Ser (NM_001353900.1); c.934C>T, p.Pro312Ser (NM_001353903.1); c.835C>T, p.Pro279Ser (NM_001353904.1); c.1267C>T, p.Pro423Ser (NM_001367621.1); c.1051C>T, p.Pro351Ser (NM_031303.3); short protein forms P351S, P312S, P423S, P449S, P448S, P279S.
Identifiers: ClinVar variation 5002470 (VCV005002470.1).